The following is an entry in ClinVar:

ClinVar aggregate classification (germline): Benign. Review status: criteria provided, multiple submitters, no conflicts (2 of 4 stars). 10 submissions from 9 submitters: Benign (10). Last evaluated 2026-04-14.

Conditions:
Progressive familial intrahepatic cholestasis type 2. Identifiers: Orphanet 79304, MedGen C3489789, MONDO:0011156, OMIM 601847.
Familial intrahepatic cholestasis. Identifiers: Orphanet 284385, MedGen CN296401, MONDO:0017290.
Benign recurrent intrahepatic cholestasis type 2 (BRIC2). Also called: Recurrent familial intrahepatic cholestasis 2. Identifiers: Orphanet 65682, Orphanet 99961, MedGen C2608083, MONDO:0011559, OMIM 605479.

Allele frequency attached by ClinVar (database versions not stated): gnomAD exomes 0.06343 and 0.07805; ExAC 0.08055; ESP Exome Variant Server 0.12913; gnomAD 0.13229 and 0.13692; TOPMed 0.13738; 1000 Genomes Project 0.13758; 1000 Genomes Project 30x 0.14116.
gnomAD v4.1: 113,321 of 1,609,928 alleles (7%); highest among the groups gnomAD compares: African/African-American, 31%; 6,483 homozygotes.

Submissions (10):

Genomenon, Inc
Classification: Benign for Familial intrahepatic cholestasis. Last evaluated: 2026-04-14. Review status: criteria provided, single submitter. Criteria: Genomenon Sequence Variant Interpretation Standards - Updated. Collection method: curation. Allele origin: germline. Affected: no.
Comment: ABCB11 c.99-18T>C is an intronic variant located in the acceptor splice region of intron 3. This variant is present at high allele frequency in population databases. In conclusion, we classify ABCB11 c.99-18T>C as a benign variant.

Women's Health and Genetics/Laboratory Corporation of America, LabCorp
Classification: Benign. Last evaluated: 2026-02-09. Review status: criteria provided, single submitter. Criteria: LabCorp Variant Classification Summary - May 2015. Collection method: clinical testing. Allele origin: germline.

Labcorp Genetics (formerly Invitae), Labcorp
Classification: Benign. Last evaluated: 2026-02-04. Review status: criteria provided, single submitter. Criteria: Invitae Variant Classification Sherloc (09022015). Collection method: clinical testing. Allele origin: germline.

Blueprint Genetics
Classification: Benign. Last evaluated: 2024-11-26. Review status: criteria provided, single submitter. Criteria: ACMG Guidelines, 2015. Collection method: clinical testing. Allele origin: germline.

Mayo Clinic Laboratories, Mayo Clinic
Classification: Benign. Last evaluated: 2022-04-08. Review status: criteria provided, single submitter. Criteria: ACMG Guidelines, 2015. Collection method: clinical testing. Allele origin: germline. Observed: 108 variant alleles.

Genome-Nilou Lab
Classification: Benign for Benign recurrent intrahepatic cholestasis type 2. Last evaluated: 2021-07-10. Review status: criteria provided, single submitter. Criteria: ACMG Guidelines, 2015. Collection method: clinical testing. Allele origin: germline. Affected: no.

Genome-Nilou Lab
Classification: Benign for Progressive familial intrahepatic cholestasis type 2. Last evaluated: 2021-07-10. Review status: criteria provided, single submitter. Criteria: ACMG Guidelines, 2015. Collection method: clinical testing. Allele origin: germline. Affected: no.

GeneDx
Classification: Benign. Last evaluated: 2016-01-23. Review status: criteria provided, single submitter. Criteria: GeneDx Variant Classification (06012015). Collection method: clinical testing. Allele origin: germline. Affected: yes.
Comment: This variant is considered likely benign or benign based on one or more of the following criteria: it is a conservative change, it occurs at a poorly conserved position in the protein, it is predicted to be benign by multiple in silico algorithms, and/or has population frequency not consistent with disease.

Breakthrough Genomics
Classification: Benign. Review status: criteria provided, single submitter. Criteria: ACMG Guidelines, 2015. Collection method: not provided. Allele origin: germline. Inheritance: Autosomal recessive inheritance. Affected: yes.

PreventionGenetics, part of Exact Sciences
Classification: Benign. Review status: criteria provided, single submitter. Criteria: ACMG Guidelines, 2015. Collection method: clinical testing. Allele origin: germline.

NM_003742.4(ABCB11):c.99-18T>C

Gene: ABCB11 (ATP binding cassette subfamily B member 11; minus strand). Cytogenetic location: 2q31.1.
Variant type: single nucleotide variant.
Coding change: c.99-18T>C on transcript NM_003742.4 (MANE Select); 18 bases into the intron before coding-DNA position 99, T replaced by C.
Molecular consequence: intron variant.
Genome position (GRCh38, 1-based): chr2:169,014,372, A>G on the plus strand (T>C on the coding strand, the complement: ABCB11 is on the minus strand). VCF-style: chr2-169014372-A-G. GRCh37 (hg19) VCF-style: chr2-169870882-A-G.
Other names: p.?; c.99-18T>C (LRG_1199t1).
Identifiers: ClinVar variation 259160 (VCV000259160.13), dbSNP rs4148776, ClinGen allele CA1951982.